The following is an entry in ClinVar:

NM_007294.4(BRCA1):c.12T>G (p.Ser4=)

Gene: BRCA1 (BRCA1 DNA repair associated; minus strand). Cytogenetic location: 17q21.31.
Variant type: single nucleotide variant.
Coding change: c.12T>G on transcript NM_007294.4 (MANE Select); coding-DNA position 12, T replaced by G.
Protein change: p.Ser4=; no amino-acid change (serine 4 retained).
Molecular consequence: synonymous variant. On other transcripts: 5 prime UTR variant (136), intron variant (36).
Genome position (GRCh38, 1-based): chr17:43,124,085, A>C on the plus strand (T>G on the coding strand, the complement: BRCA1 is on the minus strand). VCF-style: chr17-43124085-A-C. GRCh37 (hg19) VCF-style: chr17-41276102-A-C.
Other names: c.-253T>G (NM_001407934.1, NM_001408497.1, NM_001407741.1); c.-76T>G (NM_001407936.1, NM_001407945.1, NM_001408454.1 and 23 more transcripts); c.12T>G, p.Ser4= (NM_001407937.1, NM_001407938.1, NM_001407939.1 and 193 more transcripts); c.-246T>G (NM_001407942.1, NM_001408455.1, NM_001408456.1 and 11 more transcripts); c.-249T>G (NM_001407943.1, NM_001407944.1, NM_001408410.1 and 22 more transcripts); c.-177T>G (NM_001407946.1, NM_001407947.1, NM_001407948.1 and 46 more transcripts); c.-296T>G (NM_001407954.1, NM_001408513.1, NM_001407917.1); c.-408T>G (NM_001407965.1); and 23 more.
Identifiers: ClinVar variation 867680 (VCV000867680.3), dbSNP rs2055743331, ClinGen allele CA500131490.

Conditions:
Breast-ovarian cancer, familial, susceptibility to, 1 (BROVCA1). Also called: BRCA1 Hereditary Breast and Ovarian Cancer; OVARIAN CANCER, SUSCEPTIBILITY TO. Identifiers: Orphanet 145, MedGen C2676676, MONDO:0011450, OMIM 604370. Disease mechanism: loss of function.

Submission:

Brotman Baty Institute, University of Washington
No classification provided (evidence only). Condition: Breast-ovarian cancer, familial 1. Review status: no classification provided. Collection method: in vitro. Allele origin: not applicable. Functional consequence: functionally_normal.
ClinVar note: "not provided" was previously submitted as the classification for the variant. However, the classification appeared to be based only on an observation of functional data so it was converted to no classification on 2025-07-30.